The following is an entry in ClinVar:

NM_015909.4(NBAS):c.6316C>G (p.Arg2106Gly)

Gene: NBAS (NBAS subunit of NRZ tethering complex; minus strand). Cytogenetic location: 2p24.3.
Variant type: single nucleotide variant.
Coding change: c.6316C>G on transcript NM_015909.4 (MANE Select); coding-DNA position 6316, C replaced by G.
Protein change: p.Arg2106Gly; replaces arginine 2106 with glycine.
Molecular consequence: missense variant.
Genome position (GRCh38, 1-based): chr2:15,218,889, G>C on the plus strand (C>G on the coding strand, the complement: NBAS is on the minus strand). VCF-style: chr2-15218889-G-C. GRCh37 (hg19) VCF-style: chr2-15359013-G-C.
Other names: short protein forms R2106G.
Identifiers: ClinVar variation 2087711 (VCV002087711.4), dbSNP rs553094685, ClinGen allele CA345884714.
Genomic context (GRCh38, chr2:15,218,889, plus strand): 5'-GCTTGCTGTCCTCCTCAGTCAGGTGAAATGATTGCCCCAAAATCTGCAGCACGTGAATGC[G>C]GGGCCGCACCGGCCAGGCGTCATCAGCACAGAAAGGCCGCAGCCACTCCAGCAGGTCCTC-3'
Protein context (NP_056993.2, residues 2096-2116): CADDAWPVRP[Arg2106Gly]IHVLQILGQS

ClinVar aggregate classification (germline): Uncertain significance (1 of 4 stars; one submission).

gnomAD v4.1: 13 of 1,614,260 alleles (0.00081%); highest among the groups gnomAD compares: Non-Finnish European, 0.001%; no homozygotes.

Submission:

Labcorp Genetics (formerly Invitae), Labcorp
Classification: Uncertain significance. Last evaluated: 2022-08-18. Review status: criteria provided, single submitter. Criteria: Invitae Variant Classification Sherloc (09022015). Collection method: clinical testing. Allele origin: germline.
Comment: This variant is present in population databases (no rsID available, gnomAD 0.002%). This sequence change replaces arginine, which is basic and polar, with glycine, which is neutral and non-polar, at codon 2106 of the NBAS protein (p.Arg2106Gly). This variant has not been reported in the literature in individuals affected with NBAS-related conditions. Algorithms developed to predict the effect of missense changes on protein structure and function (SIFT, PolyPhen-2, Align-GVGD) all suggest that this variant is likely to be disruptive. In summary, the available evidence is currently insufficient to determine the role of this variant in disease. Therefore, it has been classified as a Variant of Uncertain Significance.